The following is an entry in ClinVar:

NM_001379228.1(MRAP):c.106+1G>C

Gene: MRAP (melanocortin 2 receptor accessory protein; plus strand). Cytogenetic location: 21q22.11.
Variant type: single nucleotide variant.
Coding change: c.106+1G>C on transcript NM_001379228.1 (MANE Select); the canonical splice donor site of the intron after coding-DNA position 106, G replaced by C.
Molecular consequence: splice donor variant. On other transcripts: intron variant (1).
Genome position (GRCh38, 1-based): chr21:32,299,078, G>C. VCF-style: chr21-32299078-G-C. GRCh37 (hg19) VCF-style: chr21-33671389-G-C.
Other names: IVS3, G-C, +1; c.106+1G>C (NM_206898.2, NM_178817.4); c.-72+5946G>C (NM_001285394.2).
Identifiers: ClinVar variation 1837 (VCV000001837.4), dbSNP rs566223651, ClinGen allele CA10000929.
Genomic context (GRCh38, chr21:32,299,078, plus strand): 5'-ACTACCTGGACTATCTGGACCTCATTCCCGTGGACGAGAAGAAGCTGAAAGCCCACAAAC[G>C]TAAGTCTGAACTAGGGAAGCCGGTCAGACAGAGGCTGGGGGCCGGGGCCCAAATGACTGG-3'

ClinVar aggregate classification (germline): Pathogenic. Review status: criteria provided, multiple submitters, no conflicts (2 of 4 stars). 4 submissions from 4 submitters: Pathogenic (3). 1 of the submissions does not count toward it. Last evaluated 2026-05-06.

Conditions:
Glucocorticoid deficiency 2 (GCCD2). Also called: FAMILIAL GLUCOCORTICOID DEFICIENCY 2. Identifiers: Orphanet 361, MedGen C4049714, MONDO:0011826, OMIM 607398.

Allele frequency attached by ClinVar (database versions not stated): gnomAD 0.00003; 1000 Genomes Project 0.00020; 1000 Genomes Project 30x 0.00016.
gnomAD v4.1: 20 of 1,612,992 alleles (0.0012%); highest among the groups gnomAD compares: East Asian, 0.0022%; no homozygotes.

Submissions (4):

Department of Molecular Genetics, Istishari Arab Hospital
Classification: Pathogenic for Glucocorticoid deficiency 2. Last evaluated: 2026-05-06. Review status: criteria provided, single submitter. Criteria: ACMG Guidelines, 2015. Collection method: clinical testing. Allele origin: germline. Inheritance: Autosomal recessive inheritance. Affected: yes.
Comment: The MRAP variant c.106+1G>C is predicted to disrupt the highly conserved canonical donor splice-site. This variant is observed with very low frequency in the gnomAD v4.1.0 dataset (<0.001). This variant was previously reported in patients with Glucocorticoid deficiency 2 (PMID: 15654338). It is classified as pathogenic based on ACMG/AMP/ClinGen SVI guidelines.

Dasa
Classification: Pathogenic. Last evaluated: 2024-11-13. Review status: criteria provided, single submitter. Criteria: DASA Assertion Criteria. Collection method: clinical testing. Allele origin: germline.
Comment: NM_001379228.1(MRAP):c.106+1G>C affects a canonical splice site and is predicted to disrupt normal RNA splicing, leading to loss of normal protein function. Loss-of-function is an established mechanism of disease for this gene. This variant has been observed in affected individuals with related phenotype in a genotype context consistent with recessive disease. The variant is present at low frequency in population datasets. Based on the available data, this variant is classified as pathogenic.

Genomic Medicine Center of Excellence, King Faisal Specialist Hospital and Research Centre
Classification: Pathogenic for Glucocorticoid deficiency 2. Last evaluated: 2023-05-12. Review status: criteria provided, single submitter. Criteria: ACMG Guidelines, 2015. Collection method: clinical testing. Allele origin: germline.

OMIM
Classification: Pathogenic for GLUCOCORTICOID DEFICIENCY 2. Last evaluated: 2005-02-01. Review status: no assertion criteria provided. Collection method: literature only. Allele origin: germline. Not counted in ClinVar's aggregate classification.

Literature cited by the submitters: PubMed 15654338 (cited by Department of Molecular Genetics, Istishari Arab Hospital and OMIM).